The following is an entry in ClinVar:

ClinVar aggregate classification (germline): Uncertain significance. Review status: criteria provided, multiple submitters, no conflicts (2 of 4 stars). 3 submissions from 3 submitters: Uncertain significance (3). Last evaluated 2025-07-03.

Conditions:
Inborn genetic diseases. Identifiers: MedGen C0950123, MeSH D030342.

Submissions (3):

Labcorp Genetics (formerly Invitae), Labcorp
Classification: Uncertain significance. Last evaluated: 2025-07-03. Review status: criteria provided, single submitter. Criteria: Invitae Variant Classification Sherloc (09022015). Collection method: clinical testing. Allele origin: germline.
Comment: This sequence change replaces isoleucine, which is neutral and non-polar, with valine, which is neutral and non-polar, at codon 139 of the CEP78 protein (p.Ile139Val). This variant is present in population databases (no rsID available, gnomAD 0.006%). This variant has not been reported in the literature in individuals affected with CEP78-related conditions. ClinVar contains an entry for this variant (Variation ID: 1387630). Invitae Evidence Modeling of protein sequence and biophysical properties (such as structural, functional, and spatial information, amino acid conservation, physicochemical variation, residue mobility, and thermodynamic stability) indicates that this missense variant is not expected to disrupt CEP78 protein function with a negative predictive value of 80%. In summary, the available evidence is currently insufficient to determine the role of this variant in disease. Therefore, it has been classified as a Variant of Uncertain Significance.

Blueprint Genetics
Classification: Uncertain significance. Last evaluated: 2024-09-20. Review status: criteria provided, single submitter. Criteria: ACMG Guidelines, 2015. Collection method: clinical testing. Allele origin: germline.

Ambry Genetics
Classification: Uncertain significance for Inborn genetic diseases. Last evaluated: 2021-08-03. Review status: criteria provided, single submitter. Criteria: Ambry Variant Classification Scheme 2023. Collection method: clinical testing. Allele origin: germline.

NM_001330691.3(CEP78):c.415A>G (p.Ile139Val)

Gene: CEP78 (centrosomal protein 78; plus strand). Cytogenetic location: 9q21.2.
Variant type: single nucleotide variant.
Coding change: c.415A>G on transcript NM_001330691.3 (MANE Select); coding-DNA position 415, A replaced by G.
Protein change: p.Ile139Val; replaces isoleucine 139 with valine.
Molecular consequence: missense variant.
Genome position (GRCh38, 1-based): chr9:78,240,184, A>G. VCF-style: chr9-78240184-A-G. GRCh37 (hg19) VCF-style: chr9-80855100-A-G.
Other names: c.415A>G (NM_001098802.1); c.415A>G, p.Ile139Val (NM_001098802.3, NM_001330693.3, NM_001330694.2 and 4 more transcripts); short protein forms I139V.
Identifiers: ClinVar variation 1387630 (VCV001387630.9), dbSNP rs895593378, ClinGen allele CA194769445.